The following is an entry in ClinVar:

NM_001379500.1(COL18A1):c.1072G>C (p.Gly358Arg)

Gene: COL18A1 (collagen type XVIII alpha 1 chain; plus strand). Cytogenetic location: 21q22.3.
Variant type: single nucleotide variant.
Coding change: c.1072G>C on transcript NM_001379500.1 (MANE Select); coding-DNA position 1072, G replaced by C.
Protein change: p.Gly358Arg; replaces glycine 358 with arginine.
Molecular consequence: missense variant.
Genome position (GRCh38, 1-based): chr21:45,477,816, G>C. VCF-style: chr21-45477816-G-C. GRCh37 (hg19) VCF-style: chr21-46897730-G-C.
Other names: NM_130445.2:c.1072G>C; c.1612G>C, p.Gly538Arg (NM_030582.4); c.2317G>C, p.Gly773Arg (NM_130444.3); short protein forms G538R, G773R.
Identifiers: ClinVar variation 447110 (VCV000447110.4), dbSNP rs62000458, ClinGen allele CA10066069.

ClinVar aggregate classification (germline): Uncertain significance. Review status: criteria provided, multiple submitters, no conflicts (2 of 4 stars). 2 submissions from 2 submitters: Uncertain significance (2). Last evaluated 2022-10-17.

Allele frequency attached by ClinVar (database versions not stated): gnomAD exomes below 0.00001 and 0.00001; gnomAD 0.00001; TOPMed 0.00004; ExAC 0.00006.
gnomAD v4.1: 8 of 1,551,570 alleles (0.00052%); highest among the groups gnomAD compares: Admixed American, 0.0039%; no homozygotes.

Submissions (2):

Labcorp Genetics (formerly Invitae), Labcorp
Classification: Uncertain significance. Last evaluated: 2022-10-17. Review status: criteria provided, single submitter. Criteria: Invitae Variant Classification Sherloc (09022015). Collection method: clinical testing. Allele origin: germline.
Comment: This sequence change replaces glycine, which is neutral and non-polar, with arginine, which is basic and polar, at codon 358 of the COL18A1 protein (p.Gly358Arg). The frequency data for this variant in the population databases is considered unreliable, as metrics indicate poor data quality at this position in the gnomAD database. This variant has not been reported in the literature in individuals affected with COL18A1-related conditions. ClinVar contains an entry for this variant (Variation ID: 447110). Experimental studies and prediction algorithms are not available or were not evaluated, and the functional significance of this variant is currently unknown. In summary, the available evidence is currently insufficient to determine the role of this variant in disease. Therefore, it has been classified as a Variant of Uncertain Significance.

Athena Diagnostics
Classification: Uncertain significance. Last evaluated: 2016-11-29. Review status: criteria provided, single submitter. Criteria: Athena Diagnostics Criteria. Collection method: clinical testing. Allele origin: germline.